The following is an entry in ClinVar:

ClinVar aggregate classification (germline): Uncertain significance (1 of 4 stars; one submission).

Conditions:
Familial focal epilepsy with variable foci (FPEVF). Identifiers: Orphanet 98820, MedGen C1858477, MONDO:0020310.

Submission:

Labcorp Genetics (formerly Invitae), Labcorp
Classification: Uncertain significance for Familial focal epilepsy with variable foci. Last evaluated: 2025-12-22. Review status: criteria provided, single submitter. Criteria: Invitae Variant Classification Sherloc (09022015). Collection method: clinical testing. Allele origin: germline.
Comment: This sequence change replaces alanine, which is neutral and non-polar, with threonine, which is neutral and polar, at codon 495 of the DEPDC5 protein (p.Ala495Thr). This variant is not present in population databases (gnomAD no frequency). This variant has not been reported in the literature in individuals affected with DEPDC5-related conditions. Experimental studies and prediction algorithms are not available or were not evaluated, and the functional significance of this variant is currently unknown. In summary, the available evidence is currently insufficient to determine the role of this variant in disease. Therefore, it has been classified as a Variant of Uncertain Significance.

NM_001242896.3(DEPDC5):c.1483G>A (p.Ala495Thr)

Gene: DEPDC5 (DEP domain containing 5, GATOR1 subcomplex subunit; plus strand). Cytogenetic location: 22q12.3.
Variant type: single nucleotide variant.
Coding change: c.1483G>A on transcript NM_001242896.3 (MANE Select); coding-DNA position 1483, G replaced by A.
Protein change: p.Ala495Thr; replaces alanine 495 with threonine.
Molecular consequence: missense variant. On other transcripts: non-coding transcript variant (5).
Genome position (GRCh38, 1-based): chr22:31,815,029, G>A. VCF-style: chr22-31815029-G-A. GRCh37 (hg19) VCF-style: chr22-32211015-G-A.
Other names: c.1483G>A, p.Ala495Thr (NM_001007188.4, NM_001136029.4, NM_001242897.2 and 7 more transcripts); c.1399G>A, p.Ala467Thr (NM_001369901.1, NM_001369902.1); short protein forms A467T, A495T.
Identifiers: ClinVar variation 4778467 (VCV004778467.1).
Genomic context (GRCh38, chr22:31,815,029, plus strand): 5'-ACTTTTTGTCTCTTGCCTGGCAGATCTGTGCGAGAGCGAGAGAGTCACAGTCGAAAGAGT[G>A]CCAGCTCCTGTGATGTTTCATCCAGCCCTTCCCTACCAAGCCGCACACTGCCCACTGAGG-3'
Protein context (NP_001229825.1, residues 485-505): RERESHSRKS[Ala495Thr]SSCDVSSSPS